The following is an entry in ClinVar:

NM_001004334.4(GPR179):c.7099G>A (p.Glu2367Lys)

Gene: GPR179 (G protein-coupled receptor 179; minus strand). Cytogenetic location: 17q12.
Variant type: single nucleotide variant.
Coding change: c.7099G>A on transcript NM_001004334.4 (MANE Select); coding-DNA position 7099, G replaced by A.
Protein change: p.Glu2367Lys; replaces glutamic acid 2367 with lysine.
Molecular consequence: missense variant.
Genome position (GRCh38, 1-based): chr17:38,326,470, C>T on the plus strand (G>A on the coding strand, the complement: GPR179 is on the minus strand). VCF-style: chr17-38326470-C-T. GRCh37 (hg19) VCF-style: chr17-36482353-C-T.
Other names: short protein forms E2367K.
Identifiers: ClinVar variation 1500892 (VCV001500892.3), dbSNP rs768763409, ClinGen allele CA290102629.

ClinVar aggregate classification (germline): Uncertain significance (1 of 4 stars; one submission).

Allele frequency attached by ClinVar (database versions not stated): ExAC 0.00001; gnomAD 0.00001; gnomAD exomes 0.00001 and 0.00002; TOPMed 0.00001.

Submission:

Labcorp Genetics (formerly Invitae), Labcorp
Classification: Uncertain significance. Last evaluated: 2022-08-16. Review status: criteria provided, single submitter. Criteria: Invitae Variant Classification Sherloc (09022015). Collection method: clinical testing. Allele origin: germline.
Comment: This sequence change replaces glutamic acid, which is acidic and polar, with lysine, which is basic and polar, at codon 2367 of the GPR179 protein (p.Glu2367Lys). This variant is present in population databases (rs768763409, gnomAD 0.009%). This variant has not been reported in the literature in individuals affected with GPR179-related conditions. ClinVar contains an entry for this variant (Variation ID: 1500892). Algorithms developed to predict the effect of missense changes on protein structure and function are either unavailable or do not agree on the potential impact of this missense change (SIFT: "Deleterious"; PolyPhen-2: "Probably Damaging"; Align-GVGD: "Class C0"). In summary, the available evidence is currently insufficient to determine the role of this variant in disease. Therefore, it has been classified as a Variant of Uncertain Significance.